The following is an entry in ClinVar:

ClinVar aggregate classification (germline): Pathogenic/Likely pathogenic. Review status: criteria provided, multiple submitters, no conflicts (2 of 4 stars). 3 submissions from 3 submitters: Pathogenic (1); Likely pathogenic (1). 1 of the submissions does not count toward it. Last evaluated 2026-09-14.

Conditions:
TUSC3-related disorder. Also called: TUSC3-related condition.
Intellectual developmental disorder, autosomal recessive 7. Also called: Intellectual disability, autosomal recessive 7. Identifiers: Orphanet 88616, MedGen C1970197, MONDO:0012615, OMIM 611093.

Allele frequency attached by ClinVar (database versions not stated): gnomAD exomes 0.00001.
gnomAD v4.1: 5 of 1,598,406 alleles (0.00031%); highest among the groups gnomAD compares: Middle Eastern, 0.083%; no homozygotes.

Submissions (3):

PreventionGenetics, part of Exact Sciences
Classification: Likely pathogenic for TUSC3-related condition. Last evaluated: 2026-09-14. Review status: criteria provided, single submitter. Criteria: ACMG Guidelines, 2015. Collection method: clinical testing. Allele origin: germline.
Comment: The TUSC3 c.1028G>C variant is predicted to result in the amino acid substitution p.Ser343Thr. This variant has been reported in the homozygous state in two sisters with motor and language delays (Albobali et al. 2021. PubMed ID: 34646667) as well as an individual with intellectual disability and dysmorphic features (Table 5, Yavarna et al. 2015. PubMed ID: 26077850). This variant impacts the final nucleotide of exon 9, and is predicted to alter splicing based on available splicing prediction programs (SpliceAI, Jaganathan et al. 2019. PubMed ID: 30661751). However, the use of computer prediction programs is not equivalent to functional evidence. This variant has not been reported in a large population database (gnomAD), indicating this variant is rare. This variant is classified as pathogenic in the ClinVar database (Variation ID: 449114). Taken together, we classify this variant as likely pathogenic.

GeneDx
Classification: Pathogenic. Last evaluated: 2021-12-23. Review status: criteria provided, single submitter. Criteria: GeneDx Variant Classification Process June 2021. Collection method: clinical testing. Allele origin: germline. Affected: yes.
Comment: Not observed at significant frequency in large population cohorts (gnomAD); In silico analysis supports that this missense variant does not alter protein structure/function. However, this variant alters the last nucleotide of the exon and is predicted to destroy the splice donor site and result in aberrant splicing, although in the absence of functional evidence, the actual effect of this sequence change is unknown; Reported previously in an individual with intellectual disability and dysmorphic features in published literature (Yavarna et al., 2015); This variant is associated with the following publications: (PMID: 34646667, 26077850)

Biochemical Molecular Genetic Laboratory, King Abdulaziz Medical City
Classification: Pathogenic for Intellectual developmental disorder, autosomal recessive 7. Last evaluated: 2020-08-07. Review status: no assertion criteria provided. Collection method: clinical testing. Allele origin: germline. Affected: yes. Not counted in ClinVar's aggregate classification.

NM_006765.4(TUSC3):c.1028G>C (p.Ser343Thr)

Gene: TUSC3 (tumor suppressor candidate 3; plus strand). Cytogenetic location: 8p22.
Variant type: single nucleotide variant.
Coding change: c.1028G>C on transcript NM_006765.4 (MANE Select); coding-DNA position 1028, G replaced by C.
Protein change: p.Ser343Thr; replaces serine 343 with threonine.
Molecular consequence: missense variant.
Genome position (GRCh38, 1-based): chr8:15,748,465, G>C. VCF-style: chr8-15748465-G-C. GRCh37 (hg19) VCF-style: chr8-15605974-G-C.
Other names: c.1028G>C, p.Ser343Thr (NM_001356429.2, NM_178234.2); short protein forms S343T.
Identifiers: ClinVar variation 449114 (VCV000449114.6), dbSNP rs1554486894, ClinGen allele CA370388014.